The following is an entry in ClinVar:

ClinVar aggregate classification (germline): Conflicting classifications of pathogenicity. Review status: criteria provided, conflicting classifications (1 of 4 stars). 2 submissions from 2 submitters: Uncertain significance (1); Likely benign (1). Last evaluated 2022-04-18.

Conditions:
Inborn genetic diseases. Identifiers: MedGen C0950123, MeSH D030342.
Alpha-1-antitrypsin deficiency (A1ATD). Also called: Alpha1-Antitrypsin Deficiency; AAT deficiency; A1AT deficiency. Identifiers: Orphanet 60, MedGen C0221757, MONDO:0013282, OMIM 613490.

Allele frequency attached by ClinVar (database versions not stated): ExAC 0.00005; gnomAD 0.00006; gnomAD exomes 0.00006; ESP Exome Variant Server 0.00008.

Submissions (2):

Labcorp Genetics (formerly Invitae), Labcorp
Classification: Uncertain significance for Alpha-1-antitrypsin deficiency. Last evaluated: 2022-04-18. Review status: criteria provided, single submitter. Criteria: Invitae Variant Classification Sherloc (09022015). Collection method: clinical testing. Allele origin: germline.
Comment: This sequence change replaces glycine, which is neutral and non-polar, with arginine, which is basic and polar, at codon 344 of the SERPINA1 protein (p.Gly344Arg). The frequency data for this variant in the population databases is considered unreliable, as metrics indicate poor data quality at this position in the gnomAD database. This missense change has been observed in individual(s) with alpha-1 antitrypsin deficiency and/or SERPINA1-related conditions (PMID: 21637596, 22008137). This variant is also known as G320R. Advanced modeling of protein sequence and biophysical properties (such as structural, functional, and spatial information, amino acid conservation, physicochemical variation, residue mobility, and thermodynamic stability) performed at Invitae indicates that this missense variant is expected to disrupt SERPINA1 protein function. Experimental studies have shown that this missense change affects SERPINA1 function (PMID: 24969485). Algorithms developed to predict the effect of sequence changes on RNA splicing suggest that this variant may create or strengthen a splice site. In summary, the available evidence is currently insufficient to determine the role of this variant in disease. Therefore, it has been classified as a Variant of Uncertain Significance.

Ambry Genetics
Classification: Likely benign for Inborn genetic diseases. Last evaluated: 2015-03-19. Review status: criteria provided, single submitter. Criteria: Ambry Variant Classification Scheme 2023. Collection method: clinical testing. Allele origin: germline.

Literature cited by the submitters: PubMed 21637596 (cited by Labcorp Genetics (formerly Invitae), Labcorp and Ambry Genetics); PubMed 22008137 (cited by Labcorp Genetics (formerly Invitae), Labcorp); PubMed 24969485 (cited by Labcorp Genetics (formerly Invitae), Labcorp and Ambry Genetics); PubMed 17906067 (cited by Ambry Genetics).

NM_000295.5(SERPINA1):c.1030G>A (p.Gly344Arg)

Gene: SERPINA1 (serpin family A member 1; minus strand). Cytogenetic location: 14q32.13.
Variant type: single nucleotide variant.
Coding change: c.1030G>A on transcript NM_000295.5 (MANE Select); coding-DNA position 1030, G replaced by A.
Protein change: p.Gly344Arg; replaces glycine 344 with arginine.
Molecular consequence: missense variant.
Genome position (GRCh38, 1-based): chr14:94,379,499, C>T on the plus strand (G>A on the coding strand, the complement: SERPINA1 is on the minus strand). VCF-style: chr14-94379499-C-T. GRCh37 (hg19) VCF-style: chr14-94845836-C-T.
Other names: c.1030G>A, p.Gly344Arg (NM_001002235.3, NM_001002236.3, NM_001127700.2 and 7 more transcripts); short protein forms G344R.
Identifiers: ClinVar variation 1771065 (VCV001771065.4), dbSNP rs367797069, ClinGen allele CA7327330.